The following is an entry in ClinVar:

NM_000179.3(MSH6):c.3172+2T>G

Gene: MSH6 (mutS homolog 6; plus strand). Cytogenetic location: 2p16.3.
Variant type: single nucleotide variant.
Coding change: c.3172+2T>G on transcript NM_000179.3 (MANE Select); the canonical splice donor site of the intron after coding-DNA position 3172, T replaced by G.
Molecular consequence: splice donor variant. On other transcripts: intron variant (2).
Genome position (GRCh38, 1-based): chr2:47,801,157, T>G. VCF-style: chr2-47801157-T-G. GRCh37 (hg19) VCF-style: chr2-48028296-T-G.
Other names: c.3172+2T>G (NM_001406809.1, NM_001406796.1, NM_001406808.1 and 2 more transcripts); c.2266+2T>G (NM_001406811.1, NM_001406814.1, NM_001281493.2 and 6 more transcripts); c.2875+2T>G (NM_001406805.1, NM_001406797.1, NM_001406801.1 and 10 more transcripts); c.3268+2T>G (NM_001406795.1, NM_001406802.1); c.3178+2T>G (NM_001406813.1); c.2647+2T>G (NM_001406807.1, NM_001406799.1, NM_001406806.1); c.2308+866T>G (NM_001406803.1); c.1606+1568T>G (NM_001406817.1); and 4 more.
Identifiers: ClinVar variation 849215 (VCV000849215.9), dbSNP rs1299958102, ClinGen allele CA346756755.

ClinVar aggregate classification (germline): Pathogenic/Likely pathogenic. Review status: criteria provided, multiple submitters, no conflicts (2 of 4 stars). 2 submissions from 2 submitters: Pathogenic (1); Likely pathogenic (1). Last evaluated 2025-07-21.

Conditions:
Hereditary cancer-predisposing syndrome. Also called: Tumor predisposition; Neoplastic Syndromes, Hereditary; Hereditary neoplastic syndrome; Hereditary Cancer Syndrome. Identifiers: Orphanet 140162, MedGen C0027672, MeSH D009386, MONDO:0015356.
Hereditary nonpolyposis colorectal neoplasms. Identifiers: MedGen C0009405, MeSH D003123.

Submissions (2):

Ambry Genetics
Classification: Likely pathogenic for Hereditary cancer-predisposing syndrome. Last evaluated: 2025-07-21. Review status: criteria provided, single submitter. Criteria: Ambry Variant Classification Scheme 2023. Collection method: clinical testing. Allele origin: germline.
Comment: The c.3172+2T>G intronic variant results from a T to G substitution two nucleotides after coding exon 4 in the MSH6 gene. This variant is considered to be rare based on population cohorts in the Genome Aggregation Database (gnomAD). This nucleotide position is highly conserved in available vertebrate species. In silico splice site analysis predicts that this alteration will weaken the native splice donor site. Alterations that disrupt the canonical splice site are expected to cause aberrant splicing, resulting in an abnormal protein or a transcript that is subject to nonsense-mediated mRNA decay. As such, this alteration is classified as likely pathogenic.

Labcorp Genetics (formerly Invitae), Labcorp
Classification: Pathogenic for Hereditary nonpolyposis colorectal neoplasms. Last evaluated: 2019-11-17. Review status: criteria provided, single submitter. Criteria: Invitae Variant Classification Sherloc (09022015). Collection method: clinical testing. Allele origin: germline.
Comment: For these reasons, this variant has been classified as Pathogenic. Donor and acceptor splice site variants typically lead to a loss of protein function (PMID: 16199547), and loss-of-function variants in MSH6 are known to be pathogenic (PMID: 18269114, 24362816). Algorithms developed to predict the effect of sequence changes on RNA splicing suggest that this variant may disrupt the consensus splice site, but this prediction has not been confirmed by published transcriptional studies. Disruption of this splice donor site have been observed in individual(s) with Lynch syndrome (PMID: 20487569, Invitae). This variant is not present in population databases (ExAC no frequency). This sequence change affects a donor splice site in intron 4 of the MSH6 gene. It is expected to disrupt RNA splicing and likely results in an absent or disrupted protein product.

Literature cited by the submitters: PubMed 16199547 (cited by Labcorp Genetics (formerly Invitae), Labcorp); PubMed 18269114 (cited by Labcorp Genetics (formerly Invitae), Labcorp); PubMed 24362816 (cited by Labcorp Genetics (formerly Invitae), Labcorp); PubMed 20487569 (cited by Labcorp Genetics (formerly Invitae), Labcorp).